The following is an entry in ClinVar:

ClinVar aggregate classification (germline): Pathogenic/Likely pathogenic. Review status: criteria provided, multiple submitters, no conflicts (2 of 4 stars). 16 submissions from 16 submitters: Pathogenic (5); Likely pathogenic (11). Last evaluated 2026-03-26.

Conditions:
MYH7-related disorder. Also called: MYH7-related disorders; MYH7-related condition; MYH7-related disease.
Cardiovascular phenotype. Identifiers: MedGen CN230736.
Dilated cardiomyopathy 1S (CMD1S). Identifiers: Orphanet 154, Orphanet 54260, MedGen C1834481, MONDO:0013262, OMIM 613426.
Myosin storage myopathy (CMYO7A). Also called: MYH7-related late-onset scapuloperoneal muscular dystrophy; Congenital myopathy 7A, myosin storage, autosomal dominant; MYOPATHY, HYALINE BODY, AUTOSOMAL DOMINANT; SCAPULOPERONEAL MUSCULAR DYSTROPHY; SCAPULOPERONEAL SYNDROME, MYOPATHIC TYPE; Scapuloperoneal myopathy, MYH7-related. Identifiers: Orphanet 437572, Orphanet 636965, MedGen C1842160, MONDO:0008409, OMIM 608358.
Hypertrophic cardiomyopathy 1 (CMH1). Also called: Familial hypertrophic cardiomyopathy 1; MYH7-Related Familial Hypertrophic Cardiomyopathy. Identifiers: MedGen C3495498, MONDO:0008647, OMIM 192600.
Cardiomyopathy (CMYO). Also called: Cardiomyopathies. Identifiers: Orphanet 167848, MedGen C0878544, MONDO:0004994, HP:0001638. Inheritance: Various modes of inheritance.
Hypertrophic cardiomyopathy. Also called: HYPERTROPHIC MYOCARDIOPATHY. Identifiers: Orphanet 217569, MedGen C0007194, MeSH D002312, MONDO:0005045, HP:0001639.

Allele frequency attached by ClinVar (database versions not stated): ExAC 0.00001; gnomAD 0.00001 and 0.00003; gnomAD exomes 0.00001 and 0.00002; TOPMed 0.00002; 1000 Genomes Project 30x 0.00016; 1000 Genomes Project 0.00040.
gnomAD v4.1: 14 of 1,614,164 alleles (0.00087%); highest among the groups gnomAD compares: African/African-American, 0.0027%; no homozygotes.

Submissions 1 to 7 of 16:

Ambry Genetics
Classification: Likely pathogenic for Cardiovascular phenotype. Last evaluated: 2026-03-26. Review status: criteria provided, single submitter. Criteria: Ambry Variant Classification Scheme 2023. Collection method: clinical testing. Allele origin: germline.
Comment: The c.1324C>T (p.R442C) variant is located in exon 14 (coding exon 12) of the MYH7 gene. This variant results from a C to T substitution at nucleotide position 1324, causing the arginine (R) at amino acid position 442 to be replaced by a cysteine (C). Based on data from gnomAD, this allele has an overall frequency of 0.002% (6/282878) total alleles studied. The highest observed frequency was 0.005% (1/19952) of East Asian alleles. This variant has been reported in multiple individuals with hypertrophic cardiomyopathy (Laredo, 2006; Witjas-Paalberends, 2013; Berge, 2014; Olivotto, 2008; Chung, 2021). This amino acid position is highly conserved in available vertebrate species. This variant is located in the myosin head domain, which contains a statistically significant clustering of pathogenic missense variants (Homburger, 2016; Walsh, 2017; Ambry internal data). This variant is predicted to be deleterious by in silico analysis. Based on the available evidence, this alteration is classified as likely pathogenic.

Labcorp Genetics (formerly Invitae), Labcorp
Classification: Pathogenic for Hypertrophic cardiomyopathy. Last evaluated: 2025-12-22. Review status: criteria provided, single submitter. Criteria: Invitae Variant Classification Sherloc (09022015). Collection method: clinical testing. Allele origin: germline.
Comment: This sequence change replaces arginine, which is basic and polar, with cysteine, which is neutral and slightly polar, at codon 442 of the MYH7 protein (p.Arg442Cys). This variant is present in population databases (rs148808089, gnomAD 0.003%). This missense change has been observed in individuals with hypertrophic cardiomyopathy (PMID: 17125710, 18533079, 23674513, 27247418, 27532257, 28615295). ClinVar contains an entry for this variant (Variation ID: 177897). Invitae Evidence Modeling of protein sequence and biophysical properties (such as structural, functional, and spatial information, amino acid conservation, physicochemical variation, residue mobility, and thermodynamic stability) indicates that this missense variant is expected to disrupt MYH7 protein function with a positive predictive value of 95%. This variant is found within a region of MYH7 between codons 181 and 937 that contains the majority of the myosin head domain. Missense variants in this region have been shown to be significantly overrepresented in individuals with hypertrophic cardiomyopathy (PMID: 27532257). For these reasons, this variant has been classified as Pathogenic.

3billion
Classification: Pathogenic for Hypertrophic cardiomyopathy 1. Last evaluated: 2025-10-20. Review status: criteria provided, single submitter. Criteria: ACMG Guidelines, 2015. Collection method: clinical testing. Allele origin: germline. Affected: yes.
Comment: The variant is observed at an extremely low frequency in the gnomAD v4.1.0 dataset (total allele frequency: <0.001%). Predicted Consequence/Location: The variant is located in a mutational hot spot and/or well-established functional domain in which established pathogenic variants have been reported (PMID: 29300372). In silico tool predictions suggest damaging effect of the variant on gene or gene product [REVEL: 0.84 (>=0.6, sensitivity 0.68 and specificity 0.92); 3Cnet: 0.99 (> 0.75, sensitivity 0.96 and precision 0.92)]. The same nucleotide change resulting in the same amino acid change has been previously reported as pathogenic/likely pathogenic with strong evidence (ClinVar ID: VCV000177897 /PMID: 17125710 /3billion dataset). The variant has been reported to co-segregate with the disease in at least 7 similarly affected relatives/individuals in at least two unrelated families (PMID: 17125710, 18533079, 23674513, 27247418, 27532257, 28615295). Different missense changes at the same codon (p.Arg442His, p.Arg442Leu) have been reported as pathogenic/likely pathogenic with strong evidence (ClinVar ID: VCV000181342, VCV000619262 /PMID: 17019812, 31513939). Therefore, this variant is classified as Pathogenic according to the recommendation of ACMG/AMP guideline.

Genesolutions, Medical Genetics Institutes, Ho Chi Minh City, Vietnam
Classification: Pathogenic for Hypertrophic cardiomyopathy 1. Last evaluated: 2025-09-24. Review status: criteria provided, single submitter. Criteria: ACMG Guidelines, 2015. Collection method: clinical testing. Allele origin: germline. Affected: yes.

Institute of Human Genetics, Heidelberg University
Classification: Likely pathogenic for Hypertrophic cardiomyopathy 1; Dilated cardiomyopathy 1S; Myosin storage myopathy. Last evaluated: 2024-11-22. Review status: criteria provided, single submitter. Criteria: ACMG Guidelines, 2015. Collection method: clinical testing. Allele origin: germline.
Comment: secondary finding

Blueprint Genetics
Classification: Pathogenic for MYH7-related disorders. Last evaluated: 2024-08-29. Review status: criteria provided, single submitter. Criteria: ACMG Guidelines, 2015. Collection method: clinical testing. Allele origin: germline. Affected: yes. Observed: 2 variant alleles.

ARUP Laboratories, Molecular Genetics and Genomics, ARUP Laboratories
Classification: Pathogenic. Last evaluated: 2023-09-27. Review status: criteria provided, single submitter. Criteria: ARUP Molecular Germline Variant Investigation Process 2024. Collection method: clinical testing. Allele origin: germline.
Comment: The MYH7 c.1324C>T; p.Arg442Cys variant (rs148808089) is reported in the literature in >15 individuals affected with dilated cardiomyopathy (DCM), or otherwise included in cohorts of cardiomyopathy patients (Chung 2021a, Chung 2021b, Dejgaard 2017, eMERGE Consortium 2019, Hughes 2021, Mattivi 2020, Norrish 2019, Robyns 2020, Stava 2022, Tran Vu 2019, Walsh 2017, Witjas-Paalberends 2013). It is also listed in the ClinVar database as pathogenic (Variation ID: 177897). This variant is only observed on six alleles in the Genome Aggregation Database, indicating it is not a common polymorphism. Computational analyses predict that this variant is deleterious (REVEL: 0.844). Additionally, other variants at this codon (p.Arg442His) have been reported in individuals with DCM and are considered pathogenic (selected reference: Walsh 2017). Based on available information, the p.Arg442Cys variant is considered to be pathogenic. References: Chung H et al. Contribution of sarcomere gene mutations to left atrial function in patients with hypertrophic cardiomyopathy. Cardiovasc Ultrasound. 2021a Jan 6;19(1):4 PMID: 33407484 Chung H et al. Effect of sarcomere and mitochondria-related mutations on myocardial fibrosis in patients with hypertrophic cardiomyopathy. J Cardiovasc Magn Reson. 2021b Mar 4;23(1):18. PMID: 33658040 Dejgaard LA et al. Data on exercise and cardiac imaging in a patient cohort with hypertrophic cardiomyopathy. Data Brief. 2017 Sep 12;15:30-39. PMID: 28971120 eMERGE Consortium. Harmonizing Clinical Sequencing and Interpretation for the eMERGE III Network. Am J Hum Genet. 2019 Sep 5;105(3):588-605. PMID: 31447099 Hughes RK et al. Myocardial Perfusion Defects in Hypertrophic Cardiomyopathy Mutation Carriers. J Am Heart Assoc. 2021 Aug 3;10(15):e020227. PMID: 34310159 Mattivi CL et al. Clinical Utility of a Phenotype-Enhanced MYH7-Specific Variant Classification Framework in Hypertrophic Cardiomyopathy Genetic Testing. Circ Genom Precis Med. 2020 Oct;13(5):453-459. PMID: 32894683. Norrish G et al. Yield of Clinical Screening for Hypertrophic Cardiomyopathy in Child First-Degree Relatives. Circulation. 2019 Jul 16;140(3):184-192. PMID: 31006259 Robyns T et al. Clinical and ECG variables to predict the outcome of genetic testing in hypertrophic cardiomyopathy. Eur J Med Genet. 2020 Mar;63(3):103754. PMID: 31513939. Stava TT et al. Molecular genetics in 4408 cardiomyopathy probands and 3008 relatives in Norway: 17 years of genetic testing in a national laboratory. Eur J Prev Cardiol. 2022 Oct 18;29(13):1789-1799. PMID: 35653365. Tran Vu MT et al. Presence of Hypertrophic Cardiomyopathy Related Gene Mutations and Clinical Manifestations in Vietnamese Patients With Hypertrophic Cardiomyopathy. Circ J. 2019 Aug 23;83(9):1908-1916. PMID: 31308319. Walsh R et al. Reassessment of Mendelian gene pathogenicity using 7,855 cardiomyopathy cases and 60,706 reference samples. Genet Med. 2017 Feb;19(2):192-203. PMID: 27532257 Witjas-Paalberends ER et al. Mutations in MYH7 reduce the force generating capacity of sarcomeres in human familial hypertrophic cardiomyopathy. Cardiovasc Res. 2013 Aug 1;99(3):432-41. PMID: 23674513.

NM_000257.4(MYH7):c.1324C>T (p.Arg442Cys)

Gene: MYH7 (myosin heavy chain 7; minus strand). Cytogenetic location: 14q11.2.
Variant type: single nucleotide variant.
Coding change: c.1324C>T on transcript NM_000257.4 (MANE Select); coding-DNA position 1324, C replaced by T.
Protein change: p.Arg442Cys; replaces arginine 442 with cysteine.
Molecular consequence: missense variant.
Genome position (GRCh38, 1-based): chr14:23,429,038, G>A on the plus strand (C>T on the coding strand, the complement: MYH7 is on the minus strand). VCF-style: chr14-23429038-G-A. GRCh37 (hg19) VCF-style: chr14-23898247-G-A.
Other names: short protein forms R442C.
Identifiers: ClinVar variation 177897 (VCV000177897.79), dbSNP rs148808089, ClinGen allele CA010561.
Genomic context (GRCh38, chr14:23,429,038, plus strand): 5'-TGTCCAGGACTCCTATGAAGTACTGGCGTGGCTGCTTGGTCTCCAGGGTGGCATTGATGC[G>A]CGTCACCATCCAGTTGAACATCCTCTCATACACTGCCTTGGCCAGTGCCCCAGTGGCATA-3'
Protein context (NP_000248.2, residues 432-452): YERMFNWMVT[Arg442Cys]INATLETKQP